The following is an entry in ClinVar:

ClinVar aggregate classification (germline): Uncertain significance (1 of 4 stars; one submission).

Conditions:
Spastic paraplegia. Identifiers: MedGen C0037772, HP:0001258.

gnomAD v4.1: 1 of 1,611,688 alleles (0.000062%); no homozygotes.

Submission:

Labcorp Genetics (formerly Invitae), Labcorp
Classification: Uncertain significance for Spastic paraplegia. Last evaluated: 2022-06-06. Review status: criteria provided, single submitter. Criteria: Invitae Variant Classification Sherloc (09022015). Collection method: clinical testing. Allele origin: germline.
Comment: This sequence change replaces alanine, which is neutral and non-polar, with threonine, which is neutral and polar, at codon 64 of the SLC33A1 protein (p.Ala64Thr). This variant is not present in population databases (gnomAD no frequency). This variant has not been reported in the literature in individuals affected with SLC33A1-related conditions. ClinVar contains an entry for this variant (Variation ID: 1388915). Algorithms developed to predict the effect of missense changes on protein structure and function output the following: SIFT: "Tolerated"; PolyPhen-2: "Benign"; Align-GVGD: "Class C0". The threonine amino acid residue is found in multiple mammalian species, which suggests that this missense change does not adversely affect protein function. In summary, the available evidence is currently insufficient to determine the role of this variant in disease. Therefore, it has been classified as a Variant of Uncertain Significance.

NM_004733.4(SLC33A1):c.190G>A (p.Ala64Thr)

Gene: SLC33A1 (solute carrier family 33 member 1; minus strand). Cytogenetic location: 3q25.31.
Variant type: single nucleotide variant.
Coding change: c.190G>A on transcript NM_004733.4 (MANE Select); coding-DNA position 190, G replaced by A.
Protein change: p.Ala64Thr; replaces alanine 64 with threonine.
Molecular consequence: missense variant.
Genome position (GRCh38, 1-based): chr3:155,853,808, C>T on the plus strand (G>A on the coding strand, the complement: SLC33A1 is on the minus strand). VCF-style: chr3-155853808-C-T. GRCh37 (hg19) VCF-style: chr3-155571597-C-T.
Other names: c.190G>A, p.Ala64Thr (NM_001190992.2, NM_001363883.1); short protein forms A64T.
Identifiers: ClinVar variation 1388915 (VCV001388915.3), dbSNP rs1332360610, ClinGen allele CA355144213.